The following is an entry in ClinVar:

ClinVar aggregate classification (germline): Uncertain significance (1 of 4 stars; one submission).

Conditions:
Ventricular arrhythmias due to cardiac ryanodine receptor calcium release deficiency syndrome. Also called: Autosomal dominant cardiac arrhythmia (Kuhn). Identifiers: MedGen C5542154, MONDO:0020745, OMIM 115000.
Catecholaminergic polymorphic ventricular tachycardia 1. Also called: VENTRICULAR TACHYCARDIA, STRESS-INDUCED POLYMORPHIC 1; VENTRICULAR TACHYCARDIA, CATECHOLAMINERGIC POLYMORPHIC, 1, WITH OR WITHOUT ATRIAL DYSFUNCTION AND/OR DILATED CARDIOMYOPATHY; RYR2-Related Catecholaminergic Polymorphic Ventricular Tachycardia. Identifiers: Orphanet 3286, MedGen C1631597, MONDO:0011484, OMIM 604772.

Submission:

Clinical Genomics Laboratory, Stanford Medicine
Classification: Uncertain significance for Catecholaminergic polymorphic ventricular tachycardia 1; Ventricular arrhythmias due to cardiac ryanodine receptor calcium release deficiency syndrome. Last evaluated: 2021-09-16. Review status: criteria provided, single submitter. Criteria: ACMG Guidelines, 2015. Collection method: clinical testing. Allele origin: germline. Observed: 1 variant allele, 1 heterozygote.
Comment: The p.Ala3909Ser variant in the RYR2 gene has not been previously reported in association with disease. This variant was absent from large population databases, including the Genome Aggregation Database. The RYR2 gene has fewer missense variants in the general population than expected. A low rate of missense variation may suggest that this gene is intolerant to missense variation. The alanine at position 3909 is evolutionarily conserved. Computational tools predict that the p.Ala3909Ser variant is deleterious; however, the accuracy of in silico algorithms is limited. These data were assessed using the ACMG/AMP variant interpretation guidelines. In summary, the significance of the p.Ala3909Ser variant is uncertain. Additional information is needed to resolve the significance of this variant. [ACMG evidence codes used: PM2; PP2; PP3]

NM_001035.3(RYR2):c.11725G>T (p.Ala3909Ser)

Gene: RYR2 (ryanodine receptor 2; plus strand). Cytogenetic location: 1q43.
Variant type: single nucleotide variant.
Coding change: c.11725G>T on transcript NM_001035.3 (MANE Select); coding-DNA position 11725, G replaced by T.
Protein change: p.Ala3909Ser; replaces alanine 3909 with serine.
Molecular consequence: missense variant.
Genome position (GRCh38, 1-based): chr1:237,773,598, G>T. VCF-style: chr1-237773598-G-T. GRCh37 (hg19) VCF-style: chr1-237936898-G-T.
Other names: short protein forms A3909S.
Identifiers: ClinVar variation 3897942 (VCV003897942.1).